The following is an entry in ClinVar:

ClinVar aggregate classification (germline): Uncertain significance (1 of 4 stars; one submission).

Conditions:
Agammaglobulinemia 6, autosomal recessive (AGM6). Also called: AGAMMAGLOBULINEMIA 6; AGAMMAGLOBULINEMIA, AUTOSOMAL RECESSIVE, DUE TO CD79B DEFECT. Identifiers: MedGen C3150207, MONDO:0012987, OMIM 612692.

Allele frequency attached by ClinVar (database versions not stated): gnomAD exomes below 0.00001; TOPMed below 0.00001; ExAC 0.00001; gnomAD 0.00001; 1000 Genomes Project 30x 0.00016; 1000 Genomes Project 0.00020.
gnomAD v4.1: 2 of 1,614,194 alleles (0.00012%); highest among the groups gnomAD compares: South Asian, 0.0011%; no homozygotes.

Submission:

Labcorp Genetics (formerly Invitae), Labcorp
Classification: Uncertain significance for Agammaglobulinemia 6, autosomal recessive. Last evaluated: 2022-05-18. Review status: criteria provided, single submitter. Criteria: Invitae Variant Classification Sherloc (09022015). Collection method: clinical testing. Allele origin: germline.
Comment: This sequence change replaces asparagine, which is neutral and polar, with aspartic acid, which is acidic and polar, at codon 73 of the CD79B protein (p.Asn73Asp). This variant is present in population databases (rs548645671, gnomAD 0.003%). This variant has not been reported in the literature in individuals affected with CD79B-related conditions. Algorithms developed to predict the effect of missense changes on protein structure and function are either unavailable or do not agree on the potential impact of this missense change (SIFT: "Not Available"; PolyPhen-2: "Benign"; Align-GVGD: "Not Available"). In summary, the available evidence is currently insufficient to determine the role of this variant in disease. Therefore, it has been classified as a Variant of Uncertain Significance.

NM_000626.4(CD79B):c.217A>G (p.Asn73Asp)

Genes: CD79B (CD79b molecule; minus strand), GH-LCR (growth hormone locus control region; plus strand). Cytogenetic location: 17q23.3.
Variant type: single nucleotide variant.
Coding change: c.217A>G on transcript NM_000626.4 (MANE Select); coding-DNA position 217, A replaced by G.
Protein change: p.Asn73Asp; replaces asparagine 73 with aspartic acid.
Molecular consequence: missense variant. On other transcripts: intron variant (2).
Genome position (GRCh38, 1-based): chr17:63,930,287, T>C on the plus strand (A>G on the coding strand, the complement: CD79B is on the minus strand). VCF-style: chr17-63930287-T-C. GRCh37 (hg19) VCF-style: chr17-62007647-T-C.
Other names: c.220A>G, p.Asn74Asp (NM_001039933.3); c.119-399A>G (NM_021602.4); c.122-399A>G (NM_001329050.2); short protein forms N74D, N73D.
Identifiers: ClinVar variation 1917206 (VCV001917206.2), dbSNP rs548645671, ClinGen allele CA8708605.